The following is an entry in ClinVar:

NM_001035.3(RYR2):c.13016A>G (p.Gln4339Arg)

Genes: RYR2 (ryanodine receptor 2; plus strand), LOC126806068 (BRD4-independent group 4 enhancer GRCh37_chr1:237947411-237948610; plus strand). Cytogenetic location: 1q43.
Variant type: single nucleotide variant.
Coding change: c.13016A>G on transcript NM_001035.3 (MANE Select); coding-DNA position 13016, A replaced by G.
Protein change: p.Gln4339Arg; replaces glutamine 4339 with arginine.
Molecular consequence: missense variant.
Genome position (GRCh38, 1-based): chr1:237,784,728, A>G. VCF-style: chr1-237784728-A-G. GRCh37 (hg19) VCF-style: chr1-237948028-A-G.
Other names: short protein forms Q4339R.
Identifiers: ClinVar variation 3073662 (VCV003073662.1), dbSNP rs1695409252, ClinGen allele CA345415018.

ClinVar aggregate classification (germline): Uncertain significance (1 of 4 stars; one submission).

Conditions:
Catecholaminergic polymorphic ventricular tachycardia (CVPT). Also called: Catecholamine-induced polymorphic ventricular tachycardia. Identifiers: Orphanet 3286, MedGen C5574922, MONDO:0017990.

Allele frequency attached by ClinVar (database versions not stated): gnomAD exomes below 0.00001; TOPMed below 0.00001.
gnomAD v4.1: 1 of 1,604,918 alleles (0.000062%); highest among the groups gnomAD compares: Non-Finnish European, 0.000085%; no homozygotes.

Submission:

All of Us Research Program, National Institutes of Health
Classification: Uncertain significance for Catecholaminergic polymorphic ventricular tachycardia. Last evaluated: 2023-10-02. Review status: criteria provided, single submitter. Criteria: ACMG Guidelines, 2015. Collection method: clinical testing. Allele origin: germline. Inheritance: Autosomal dominant inheritance. Observed: 1 variant allele, 1 heterozygote.
Comment: This missense variant replaces glutamine with arginine at codon 4339 of the RYR2 protein. Computational prediction suggests that this variant may have deleterious impact on protein structure and function (internally defined REVEL score threshold >= 0.7, PMID: 27666373). To our knowledge, functional studies have not been reported for this variant. This variant has not been reported in individuals affected with RYR2-related disorders in the literature. This variant has not been identified in the general population by the Genome Aggregation Database (gnomAD). The available evidence is insufficient to determine the role of this variant in disease conclusively. Therefore, this variant is classified as a Variant of Uncertain Significance.

This study involves interpretation of variants in research participants for the purpose of population health screening. Participant phenotype was not available at the time of variant classification. Additional details can be found in publication PMID: 35346344, PMCID: PMC8962531